The following is an entry in ClinVar:

NM_152296.5(ATP1A3):c.739G>A (p.Val247Met)

Gene: ATP1A3 (ATPase Na+/K+ transporting subunit alpha 3; minus strand). Cytogenetic location: 19q13.2.
Variant type: single nucleotide variant.
Coding change: c.739G>A on transcript NM_152296.5 (MANE Select); coding-DNA position 739, G replaced by A.
Protein change: p.Val247Met; replaces valine 247 with methionine.
Molecular consequence: missense variant.
Genome position (GRCh38, 1-based): chr19:41,985,172, C>T on the plus strand (G>A on the coding strand, the complement: ATP1A3 is on the minus strand). VCF-style: chr19-41985172-C-T. GRCh37 (hg19) VCF-style: chr19-42489324-C-T.
Other names: c.772G>A, p.Val258Met (NM_001256213.2); c.778G>A, p.Val260Met (NM_001256214.2); c.778G>A (NM_001256214.1); short protein forms V247M, V258M, V260M.
Identifiers: ClinVar variation 434443 (VCV000434443.13), dbSNP rs782227665, ClinGen allele CA9467783.

ClinVar aggregate classification (germline): Conflicting classifications of pathogenicity. Review status: criteria provided, conflicting classifications (1 of 4 stars). 4 submissions from 4 submitters: Uncertain significance (3); Likely benign (1). Last evaluated 2026-06-16.

Conditions:
ATP1A3-related disorder. Also called: ATP1A3-related disorders; ATP1A3-related condition. Identifiers: MedGen CN381097.
Inborn genetic diseases. Identifiers: MedGen C0950123, MeSH D030342.
Dystonia 12 (DYT12). Also called: DYT-ATP1A3; Rapid-Onset Dystonia-Parkinsonism (RDP). Identifiers: Orphanet 71517, MedGen C1868681, MONDO:0007496, OMIM 128235.

Allele frequency attached by ClinVar (database versions not stated): gnomAD exomes 0.00001 and 0.00004; ExAC 0.00005; TOPMed 0.00005; gnomAD 0.00006.
gnomAD v4.1: 27 of 1,613,160 alleles (0.0017%); highest among the groups gnomAD compares: Middle Eastern, 0.016%; no homozygotes.

Submissions (4):

PreventionGenetics, part of Exact Sciences
Classification: Uncertain significance for ATP1A3-related condition. Last evaluated: 2026-06-16. Review status: criteria provided, single submitter. Criteria: ACMG Guidelines, 2015. Collection method: clinical testing. Allele origin: germline.
Comment: The ATP1A3 c.778G>A variant is predicted to result in the amino acid substitution p.Val260Met. To our knowledge, this variant has not been reported in the literature. This variant is reported in 0.0085% of alleles in individuals of Latino descent in gnomAD. At this time, the clinical significance of this variant is uncertain due to the absence of conclusive functional and genetic evidence.

Labcorp Genetics (formerly Invitae), Labcorp
Classification: Uncertain significance for Dystonia 12. Last evaluated: 2026-01-09. Review status: criteria provided, single submitter. Criteria: Invitae Variant Classification Sherloc (09022015). Collection method: clinical testing. Allele origin: germline.
Comment: This sequence change replaces valine, which is neutral and non-polar, with methionine, which is neutral and non-polar, at codon 247 of the ATP1A3 protein (p.Val247Met). This variant is present in population databases (rs782227665, gnomAD 0.009%). This variant has not been reported in the literature in individuals affected with ATP1A3-related conditions. ClinVar contains an entry for this variant (Variation ID: 434443). Invitae Evidence Modeling of protein sequence and biophysical properties (such as structural, functional, and spatial information, amino acid conservation, physicochemical variation, residue mobility, and thermodynamic stability) has been performed for this missense variant. However, the output from this modeling did not meet the statistical confidence thresholds required to predict the impact of this variant on ATP1A3 protein function. In summary, the available evidence is currently insufficient to determine the role of this variant in disease. Therefore, it has been classified as a Variant of Uncertain Significance.

Ambry Genetics
Classification: Likely benign for Inborn genetic diseases. Last evaluated: 2025-01-18. Review status: criteria provided, single submitter. Criteria: Ambry Variant Classification Scheme 2023. Collection method: clinical testing. Allele origin: germline.

Genetic Services Laboratory, University of Chicago
Classification: Uncertain significance. Last evaluated: 2016-04-09. Review status: criteria provided, single submitter. Criteria: ACMG Guidelines, 2015. Collection method: clinical testing. Allele origin: germline. Affected: no.